The following is an entry in ClinVar:

ClinVar aggregate classification (germline): Uncertain significance (1 of 4 stars; one submission).

Submission:

GeneDx
Classification: Uncertain significance. Last evaluated: 2024-12-17. Review status: criteria provided, single submitter. Criteria: GeneDx Variant Classification Process June 2021. Collection method: clinical testing. Allele origin: germline. Affected: yes.
Comment: Not observed at significant frequency in large population cohorts (gnomAD); In silico analysis supports that this missense variant has a deleterious effect on protein structure/function; Has not been previously published as pathogenic or benign to our knowledge

NM_020338.4(ZMIZ1):c.2049C>G (p.His683Gln)

Gene: ZMIZ1 (zinc finger MIZ-type containing 1; plus strand). Cytogenetic location: 10q22.3.
Variant type: single nucleotide variant.
Coding change: c.2049C>G on transcript NM_020338.4 (MANE Select); coding-DNA position 2049, C replaced by G.
Protein change: p.His683Gln; replaces histidine 683 with glutamine.
Molecular consequence: missense variant.
Genome position (GRCh38, 1-based): chr10:79,302,136, C>G. VCF-style: chr10-79302136-C-G. GRCh37 (hg19) VCF-style: chr10-81061893-C-G.
Other names: short protein forms H683Q.
Identifiers: ClinVar variation 3906756 (VCV003906756.1).